The following is an entry in ClinVar:

NM_182961.4(SYNE1):c.22377G>T (p.Gln7459His)

Gene: SYNE1 (spectrin repeat containing nuclear envelope protein 1; minus strand). Cytogenetic location: 6q25.2.
Variant type: single nucleotide variant.
Coding change: c.22377G>T on transcript NM_182961.4 (MANE Select); coding-DNA position 22377, G replaced by T.
Protein change: p.Gln7459His; replaces glutamine 7459 with histidine.
Molecular consequence: missense variant.
Genome position (GRCh38, 1-based): chr6:152,213,729, C>A on the plus strand (G>T on the coding strand, the complement: SYNE1 is on the minus strand). VCF-style: chr6-152213729-C-A. GRCh37 (hg19) VCF-style: chr6-152534864-C-A.
Other names: c.22164G>T, p.Gln7388His (NM_033071.5); short protein forms Q7388H, Q7459H.
Identifiers: ClinVar variation 2045439 (VCV002045439.4), dbSNP rs1477094483, ClinGen allele CA366099493.

ClinVar aggregate classification (germline): Uncertain significance (1 of 4 stars; one submission).

Conditions:
Emery-Dreifuss muscular dystrophy 4, autosomal dominant (EDMD4). Also called: EMERY-DREIFUSS MUSCULAR DYSTROPHY 4 WITH VARIABLE FEATURES. Identifiers: Orphanet 261, MedGen C2751807, MONDO:0013071, OMIM 612998.
Autosomal recessive ataxia, Beauce type. Also called: SYNE1 Deficiency; Spinocerebellar ataxia, autosomal recessive 8; ATAXIA, RECESSIVE, OF BEAUCE; SYNE1-Related Autosomal Recessive Cerebellar Ataxia. Identifiers: Orphanet 88644, MedGen C1853116, MONDO:0012549, OMIM 610743.

gnomAD v4.1: 1 of 1,614,052 alleles (0.000062%); highest among the groups gnomAD compares: Non-Finnish European, 0.000085%; no homozygotes.

Submission:

Labcorp Genetics (formerly Invitae), Labcorp
Classification: Uncertain significance for Emery-Dreifuss muscular dystrophy 4, autosomal dominant; Autosomal recessive ataxia, Beauce type. Last evaluated: 2022-03-18. Review status: criteria provided, single submitter. Criteria: Invitae Variant Classification Sherloc (09022015). Collection method: clinical testing. Allele origin: germline.
Comment: This sequence change replaces glutamine, which is neutral and polar, with histidine, which is basic and polar, at codon 7388 of the SYNE1 protein (p.Gln7388His). This variant is not present in population databases (gnomAD no frequency). This variant has not been reported in the literature in individuals affected with SYNE1-related conditions. Algorithms developed to predict the effect of missense changes on protein structure and function are either unavailable or do not agree on the potential impact of this missense change (SIFT: "Deleterious"; PolyPhen-2: "Probably Damaging"; Align-GVGD: "Class C15"). In summary, the available evidence is currently insufficient to determine the role of this variant in disease. Therefore, it has been classified as a Variant of Uncertain Significance.